The following is an entry in ClinVar:

ClinVar aggregate classification (germline): Pathogenic/Likely pathogenic. Review status: criteria provided, multiple submitters, no conflicts (2 of 4 stars). 4 submissions from 4 submitters: Pathogenic (1); Likely pathogenic (2). 1 of the submissions does not count toward it. Last evaluated 2025-12-24.

Conditions:
Bardet-Biedl syndrome (BBS). Identifiers: Orphanet 110, MedGen C0752166, MONDO:0015229.
Bardet-Biedl syndrome 10 (BBS10). Identifiers: Orphanet 110, MedGen C1859568, MONDO:0014438, OMIM 615987.

Allele frequency attached by ClinVar (database versions not stated): gnomAD exomes below 0.00001 and 0.00001; ExAC 0.00001.
gnomAD v4.1: 4 of 1,608,706 alleles (0.00025%); highest among the groups gnomAD compares: Non-Finnish European, 0.00034%; no homozygotes.

Submissions (4):

Natera, Inc.
Classification: Likely pathogenic for Bardet-Biedl syndrome type 10. Last evaluated: 2025-12-24. Review status: criteria provided, single submitter. Criteria: Natera Variant Classification Schema (03/2026). Collection method: clinical testing. Allele origin: germline.
Comment: The c.1871C>G variant in BBS10 is a nonsense variant predicted to introduce a stop codon at amino acid 624. This variant is expected to result in nonsense mediated decay, truncation, or a dysfunctional protein product. This variant is rare in the general population with a frequency below the threshold expected for the associated phenotype(s). Given the available evidence, this variant is classified as Likely Pathogenic.

Baylor Genetics
Classification: Likely pathogenic for Bardet-Biedl syndrome 10. Last evaluated: 2024-03-03. Review status: criteria provided, single submitter. Criteria: ACMG Guidelines, 2015. Collection method: clinical testing. Allele origin: unknown.

Labcorp Genetics (formerly Invitae), Labcorp
Classification: Pathogenic for Bardet-Biedl syndrome. Last evaluated: 2024-01-21. Review status: criteria provided, single submitter. Criteria: Invitae Variant Classification Sherloc (09022015). Collection method: clinical testing. Allele origin: germline.
Comment: This sequence change creates a premature translational stop signal (p.Ser624*) in the BBS10 gene. While this is not anticipated to result in nonsense mediated decay, it is expected to disrupt the last 100 amino acid(s) of the BBS10 protein. This variant is present in population databases (rs768385647, gnomAD 0.0009%). This variant has not been reported in the literature in individuals affected with BBS10-related conditions. ClinVar contains an entry for this variant (Variation ID: 684438). This variant disrupts a region of the BBS10 protein in which other variant(s) (p.Val707*) have been determined to be pathogenic (PMID: 20472660, 22773737, 25982971, 27486776). This suggests that this is a clinically significant region of the protein, and that variants that disrupt it are likely to be disease-causing. For these reasons, this variant has been classified as Pathogenic.

Institute of Human Genetics, Cologne University
Classification: Pathogenic for Bardet-Biedl syndrome 10. Review status: no assertion criteria provided. Collection method: clinical testing. Allele origin: germline. Inheritance: Autosomal recessive inheritance. Affected: yes. Observed: 1 compound heterozygote. Not counted in ClinVar's aggregate classification.

Literature cited by the submitters: PubMed 20472660 (cited by Labcorp Genetics (formerly Invitae), Labcorp); PubMed 22773737 (cited by Labcorp Genetics (formerly Invitae), Labcorp); PubMed 25982971 (cited by Labcorp Genetics (formerly Invitae), Labcorp); PubMed 27486776 (cited by Labcorp Genetics (formerly Invitae), Labcorp).

NM_024685.4(BBS10):c.1871C>G (p.Ser624Ter)

Gene: BBS10 (Bardet-Biedl syndrome 10; minus strand). Cytogenetic location: 12q21.2.
Variant type: single nucleotide variant.
Coding change: c.1871C>G on transcript NM_024685.4 (MANE Select); coding-DNA position 1871, C replaced by G.
Protein change: p.Ser624Ter; replaces serine 624 with a stop codon.
Molecular consequence: nonsense.
Genome position (GRCh38, 1-based): chr12:76,346,114, G>C on the plus strand (C>G on the coding strand, the complement: BBS10 is on the minus strand). VCF-style: chr12-76346114-G-C. GRCh37 (hg19) VCF-style: chr12-76739894-G-C.
Other names: short protein forms S624*.
Identifiers: ClinVar variation 684438 (VCV000684438.7), dbSNP rs768385647, ClinGen allele CA6694091.